The following continues an entry in ClinVar:

NM_000492.4(CFTR):c.2770G>A (p.Asp924Asn)

Gene: CFTR. ClinVar aggregate classification (germline): Uncertain significance. Uncertain significance (1).

Submissions 11 to 17 of 17:

ARUP Laboratories, Molecular Genetics and Genomics, ARUP Laboratories
Classification: Uncertain significance. Last evaluated: 2017-06-27. Review status: criteria provided, single submitter. Criteria: ARUP Molecular Germline Variant Investigation Process. Collection method: clinical testing. Allele origin: germline. Not counted in ClinVar's aggregate classification.
Comment: The CFTR c.2770G>A; p.Asp924Asn variant (rs201759207) has been reported in cystic fibrosis patients, but its clinical significance was not determined (Alonso 2006, Zietkiewicz 2014). It is listed in ClinVar (Variation ID: 53565) and observed in the general population at an overall frequency of 0.009% (25/277152 alleles) in the Genome Aggregation Database. The aspartic acid at codon 924 is highly conserved, but computational algorithms (PolyPhen-2: probably damaging; SIFT: tolerated) are inconclusive on the variant's impact on the protein. Due to the limited information regarding this variant, its clinical significance cannot be determined with certainty. References: Alonso M et al. Spectrum of mutations in the CFTR gene in cystic fibrosis patients of Spanish ancestry. Ann Hum Genet. 2007; 71(Pt 2):194-201. Zietkiewicz E et al. CFTR mutations spectrum and the efficiency of molecular diagnostics in Polish cystic fibrosis patients. PLoS One. 2014; 9(2):e89094.

Eurofins Ntd Llc (ga)
Classification: Uncertain significance. Last evaluated: 2016-12-05. Review status: criteria provided, single submitter. Criteria: EGL Classification Definitions 2015. Collection method: clinical testing. Allele origin: germline. Observed: 1 variant allele, 1 heterozygote. Not counted in ClinVar's aggregate classification.

Breakthrough Genomics
Classification: Uncertain significance. Review status: criteria provided, single submitter. Criteria: ACMG Guidelines, 2015. Collection method: not provided. Allele origin: germline. Inheritance: Autosomal recessive inheritance. Affected: yes. Not counted in ClinVar's aggregate classification.

Juno Genomics, Hangzhou Juno Genomics, Inc
Classification: Uncertain significance for Bronchiectasis with or without elevated sweat chloride 1; Hereditary pancreatitis; Congenital bilateral aplasia of vas deferens from CFTR mutation; Cystic fibrosis. Review status: criteria provided, single submitter. Criteria: ACMG Guidelines, 2015. Collection method: clinical testing. Allele origin: germline. Not counted in ClinVar's aggregate classification.
Comment: Absent from controls (or at extremely low frequency if recessive) in Genome Aggregation Database.;Well-established in vitro or in vivo functional studies supportive of a damaging effect on the gene or gene product.;For recessive disorders, detected in trans with a pathogenic variant.

Natera, Inc.
Classification: Uncertain significance for CFTR-related disorders. Last evaluated: 2018-06-23. Review status: no assertion criteria provided. Collection method: clinical testing. Allele origin: germline. Not counted in ClinVar's aggregate classification.

Counsyl
Classification: Uncertain significance for Cystic fibrosis. Last evaluated: 2017-11-27. Review status: no assertion criteria provided. Collection method: clinical testing. Allele origin: unknown. Not counted in ClinVar's aggregate classification.

ClinVar Staff, National Center for Biotechnology Information (NCBI)
No classification provided. Condition: CFTR-related disorders. Review status: no classification provided. Collection method: literature only. Allele origin: germline. Affected: yes. Not counted in ClinVar's aggregate classification.

Literature cited by the submitters: PubMed 19812525 (cited by Women's Health and Genetics/Laboratory Corporation of America, LabCorp); PubMed 17331079 (cited by 5 submitters); PubMed 24586523 (cited by 4 submitters); PubMed 25735457 (cited by Women's Health and Genetics/Laboratory Corporation of America, LabCorp); PubMed 20562583 (cited by 3 submitters); PubMed 28603918 (cited by Women's Health and Genetics/Laboratory Corporation of America, LabCorp and Quest Diagnostics Nichols Institute San Juan Capistrano); PubMed 29997923 (cited by Women's Health and Genetics/Laboratory Corporation of America, LabCorp and Quest Diagnostics Nichols Institute San Juan Capistrano); PubMed 29669919 (cited by Women's Health and Genetics/Laboratory Corporation of America, LabCorp and Quest Diagnostics Nichols Institute San Juan Capistrano); PubMed 31883651 (cited by Women's Health and Genetics/Laboratory Corporation of America, LabCorp and Quest Diagnostics Nichols Institute San Juan Capistrano); PubMed 29271547 (cited by 3 submitters); PubMed 38388235 (cited by Women's Health and Genetics/Laboratory Corporation of America, LabCorp).